The following is an entry in ClinVar:

ClinVar aggregate classification (germline): Uncertain significance. Review status: criteria provided, multiple submitters, no conflicts (2 of 4 stars). 2 submissions from 2 submitters: Uncertain significance (2). Last evaluated 2025-03-26.

Conditions:
Inborn genetic diseases. Identifiers: MedGen C0950123, MeSH D030342.

Allele frequency attached by ClinVar (database versions not stated): gnomAD exomes below 0.00001 and 0.00001; gnomAD 0.00001.
gnomAD v4.1: 5 of 1,613,920 alleles (0.00031%); highest among the groups gnomAD compares: African/African-American, 0.0013%; no homozygotes.

Submissions (2):

Ambry Genetics
Classification: Uncertain significance for Inborn genetic diseases. Last evaluated: 2025-03-26. Review status: criteria provided, single submitter. Criteria: Ambry Variant Classification Scheme 2023. Collection method: clinical testing. Allele origin: germline.

Labcorp Genetics (formerly Invitae), Labcorp
Classification: Uncertain significance. Last evaluated: 2023-11-22. Review status: criteria provided, single submitter. Criteria: Invitae Variant Classification Sherloc (09022015). Collection method: clinical testing. Allele origin: germline.
Comment: This sequence change replaces glutamic acid, which is acidic and polar, with lysine, which is basic and polar, at codon 370 of the VCAN protein (p.Glu370Lys). This variant is present in population databases (no rsID available, gnomAD 0.004%). This variant has not been reported in the literature in individuals affected with VCAN-related conditions. ClinVar contains an entry for this variant (Variation ID: 1006143). An algorithm developed to predict the effect of missense changes on protein structure and function (PolyPhen-2) suggests that this variant is likely to be tolerated. In summary, the available evidence is currently insufficient to determine the role of this variant in disease. Therefore, it has been classified as a Variant of Uncertain Significance.

NM_004385.5(VCAN):c.1108G>A (p.Glu370Lys)

Gene: VCAN (versican; plus strand). Cytogenetic location: 5q14.3.
Variant type: single nucleotide variant.
Coding change: c.1108G>A on transcript NM_004385.5 (MANE Select); coding-DNA position 1108, G replaced by A.
Protein change: p.Glu370Lys; replaces glutamic acid 370 with lysine.
Molecular consequence: missense variant. On other transcripts: intron variant (2).
Genome position (GRCh38, 1-based): chr5:83,519,414, G>A. VCF-style: chr5-83519414-G-A. GRCh37 (hg19) VCF-style: chr5-82815233-G-A.
Other names: c.1108G>A (NM_004385.4); c.1108G>A, p.Glu370Lys (NM_001164098.2); c.1042+7018G>A (NM_001164097.2, NM_001126336.3); short protein forms E370K.
Identifiers: ClinVar variation 1006143 (VCV001006143.9), dbSNP rs988102406, ClinGen allele CA121790509.